The following is an entry in ClinVar:

ClinVar aggregate classification (germline): Uncertain significance (1 of 4 stars; one submission).

Conditions:
ALG9 congenital disorder of glycosylation (CDG1L). Also called: CDG Il; CONGENITAL DISORDER OF GLYCOSYLATION, TYPE Il; ALG9-CDG. Identifiers: Orphanet 79328, MedGen C2931006, MONDO:0012117, OMIM 608776.

Submission:

Labcorp Genetics (formerly Invitae), Labcorp
Classification: Uncertain significance for ALG9 congenital disorder of glycosylation. Last evaluated: 2025-09-05. Review status: criteria provided, single submitter. Criteria: Invitae Variant Classification Sherloc (09022015). Collection method: clinical testing. Allele origin: germline.
Comment: This sequence change replaces methionine, which is neutral and non-polar, with valine, which is neutral and non-polar, at codon 305 of the ATP6V0A2 protein (p.Met305Val). This variant is not present in population databases (gnomAD no frequency). This variant has not been reported in the literature in individuals affected with ATP6V0A2-related conditions. Invitae Evidence Modeling of protein sequence and biophysical properties (such as structural, functional, and spatial information, amino acid conservation, physicochemical variation, residue mobility, and thermodynamic stability) indicates that this missense variant is not expected to disrupt ATP6V0A2 protein function with a negative predictive value of 80%. In summary, the available evidence is currently insufficient to determine the role of this variant in disease. Therefore, it has been classified as a Variant of Uncertain Significance.

NM_012463.4(ATP6V0A2):c.913A>G (p.Met305Val)

Gene: ATP6V0A2 (ATPase H+ transporting V0 subunit a2; plus strand). Cytogenetic location: 12q24.31.
Variant type: single nucleotide variant.
Coding change: c.913A>G on transcript NM_012463.4 (MANE Select); coding-DNA position 913, A replaced by G.
Protein change: p.Met305Val; replaces methionine 305 with valine.
Molecular consequence: missense variant.
Genome position (GRCh38, 1-based): chr12:123,737,146, A>G. VCF-style: chr12-123737146-A-G. GRCh37 (hg19) VCF-style: chr12-124221693-A-G.
Other names: short protein forms M305V.
Identifiers: ClinVar variation 4743237 (VCV004743237.1).